The following is an entry in ClinVar:

NM_020843.4(SCAPER):c.2613dup (p.Ala872fs)

Gene: SCAPER (S-phase cyclin A associated protein in the ER; minus strand). Cytogenetic location: 15q24.3.
Variant type: Duplication.
Coding change: c.2613dup on transcript NM_020843.4 (MANE Select); coding-DNA position 2613, one base duplicated (A; older notation c.2613dupA).
Protein change: p.Ala872fs; shifts the reading frame from alanine 872.
Molecular consequence: frameshift variant. On other transcripts: non-coding transcript variant (1).
Genome position (GRCh38, 1-based): chr15:76,665,685, T duplicated on the plus strand (A on the coding strand, the reverse complement: SCAPER is on the minus strand); the first of 9 consecutive T bases (chr15:76,665,685-76,665,693); duplicating any one gives the same sequence. VCF-style (leftmost placement, unchanged base first): chr15-76665684-C-CT. GRCh37 (hg19) VCF-style: chr15-76958025-C-CT.
Other names: c.2613dupA (NM_020843.2); c.1875dup, p.Ala626fs (NM_001145923.2); c.2631dup, p.Ala878fs (NM_001353009.2); c.2211dup, p.Ala738fs (NM_001353010.2, NM_001353012.2); c.2229dup, p.Ala744fs (NM_001353011.2); short protein forms A626fs, A738fs, A744fs, A872fs, A878fs.
Identifiers: ClinVar variation 3248655 (VCV003248655.3).

ClinVar aggregate classification (germline): Likely pathogenic. Review status: criteria provided, multiple submitters, no conflicts (2 of 4 stars). 3 submissions from 3 submitters: Likely pathogenic (2). 1 of the submissions does not count toward it. Last evaluated 2025-01-07.

Conditions:
Retinal dystrophy. Also called: Inherited retinal dystrophy. Identifiers: Orphanet 71862, MedGen C0854723, MeSH D058499, MONDO:0019118, HP:0000556.
SCAPER-related disorder. Also called: SCAPER-related condition.
Intellectual developmental disorder and retinitis pigmentosa; IDDRP. Also called: INTELLECTUAL DEVELOPMENTAL DISORDER AND RETINITIS PIGMENTOSA. Identifiers: MedGen C4748658, MONDO:0032594, OMIM 618195.

Submissions (3):

First Genomix Gene Laboratory, Genetic Diagnostics Department
Classification: Likely pathogenic for Intellectual developmental disorder and retinitis pigmentosa; IDDRP. Last evaluated: 2025-01-07. Review status: criteria provided, single submitter. Criteria: ACMG Guidelines, 2015. Collection method: clinical testing. Allele origin: germline. Inheritance: Autosomal recessive inheritance. Affected: no. Observed: 1 variant allele.

Blueprint Genetics
Classification: Likely pathogenic for SCAPER-related disorders. Last evaluated: 2024-04-11. Review status: criteria provided, single submitter. Criteria: ACMG Guidelines, 2015. Collection method: clinical testing. Allele origin: germline. Affected: yes. Observed: 4 variant alleles.

Institute of Human Genetics, Univ. Regensburg, Univ. Regensburg
Classification: Uncertain significance for Retinal dystrophy. Last evaluated: 2018-01-01. Review status: no assertion criteria provided. Criteria: ACMG Guidelines, 2015. Collection method: clinical testing. Allele origin: germline. Affected: yes. Not counted in ClinVar's aggregate classification.